The following is an entry in ClinVar:

NM_001370658.1(BTD):c.436G>A (p.Asp146Asn)

Gene: BTD (biotinidase; plus strand). Cytogenetic location: 3p25.1.
Variant type: single nucleotide variant.
Coding change: c.436G>A on transcript NM_001370658.1 (MANE Select); coding-DNA position 436, G replaced by A.
Protein change: p.Asp146Asn; replaces aspartic acid 146 with asparagine.
Molecular consequence: missense variant. On other transcripts: intron variant (6).
Genome position (GRCh38, 1-based): chr3:15,644,352, G>A. VCF-style: chr3-15644352-G-A. GRCh37 (hg19) VCF-style: chr3-15685859-G-A.
Other names: c.496G>A (NM_000060.2); c.436G>A, p.Asp146Asn (NM_001407370.1, NM_001407371.1, NM_001407372.1 and 18 more transcripts); c.399+2295G>A (NM_001370753.1, NM_001407400.1, NM_001407380.1 and 3 more transcripts); short protein forms D146N.
Identifiers: ClinVar variation 2571830 (VCV002571830.1), dbSNP rs959662876, ClinGen allele CA70621477.

ClinVar aggregate classification (germline): Uncertain significance (1 of 4 stars; one submission).

Allele frequency attached by ClinVar (database versions not stated): gnomAD exomes below 0.00001; TOPMed 0.00001.
gnomAD v4.1: 2 of 1,614,058 alleles (0.00012%); highest among the groups gnomAD compares: Admixed American, 0.0017%; no homozygotes.

Submission:

GeneDx
Classification: Uncertain significance. Last evaluated: 2022-12-30. Review status: criteria provided, single submitter. Criteria: GeneDx Variant Classification Process June 2021. Collection method: clinical testing. Allele origin: germline. Affected: yes.
Comment: Not observed at significant frequency in large population cohorts (gnomAD); In silico analysis supports that this missense variant does not alter protein structure/function; Has not been previously published as pathogenic or benign to our knowledge